The following is an entry in ClinVar:

NM_002230.4(JUP):c.-4C>T

Gene: JUP (junction plakoglobin; minus strand). Cytogenetic location: 17q21.2.
Variant type: single nucleotide variant.
Coding change: c.-4C>T on transcript NM_002230.4 (MANE Select); 4 bases upstream of the start codon, C replaced by T.
Molecular consequence: 5 prime UTR variant.
Genome position (GRCh38, 1-based): chr17:41,771,858, G>A on the plus strand (C>T on the coding strand, the complement: JUP is on the minus strand). VCF-style: chr17-41771858-G-A. GRCh37 (hg19) VCF-style: chr17-39928110-G-A.
Other names: c.-4C>T (NM_001352773.2, NM_001352774.2, NM_001352775.2 and 3 more transcripts).
Identifiers: ClinVar variation 389034 (VCV000389034.3), dbSNP rs782493861, ClinGen allele CA8565608.

ClinVar aggregate classification (germline): Conflicting classifications of pathogenicity. Review status: criteria provided, conflicting classifications (1 of 4 stars). 2 submissions from 2 submitters: Uncertain significance (1); Likely benign (1). Last evaluated 2019-07-26.

Conditions:
Cardiovascular phenotype. Identifiers: MedGen CN230736.

Allele frequency attached by ClinVar (database versions not stated): ExAC 0.00001; gnomAD exomes 0.00002; TOPMed 0.00002.
gnomAD v4.1: 23 of 1,606,396 alleles (0.0014%); highest among the groups gnomAD compares: East Asian, 0.052%; no homozygotes.

Submissions (2):

Ambry Genetics
Classification: Uncertain significance for Cardiovascular phenotype. Last evaluated: 2019-07-26. Review status: criteria provided, single submitter. Criteria: Ambry Variant Classification Scheme 2023. Collection method: clinical testing. Allele origin: germline.
Comment: The c.-4C>T variant is located in the 5' untranslated region (5&rsquo; UTR) of the JUP gene. This variant results from a C to T substitution 4 bases upstream from the first translated codon. This nucleotide position is not well conserved in available vertebrate species. Since supporting evidence is limited at this time, the clinical significance of this alteration remains unclear.

GeneDx
Classification: Likely benign. Last evaluated: 2016-08-30. Review status: criteria provided, single submitter. Criteria: GeneDx Variant Classification (06012015). Collection method: clinical testing. Allele origin: germline. Affected: yes.
Comment: This variant is considered likely benign or benign based on one or more of the following criteria: it is a conservative change, it occurs at a poorly conserved position in the protein, it is predicted to be benign by multiple in silico algorithms, and/or has population frequency not consistent with disease.